The following is an entry in ClinVar:

ClinVar aggregate classification (germline): Pathogenic. Review status: reviewed by expert panel (3 of 4 stars). 2 submissions from 2 submitters: Pathogenic (1). 1 of the submissions does not count toward it. Last evaluated 2024-07-03.

Conditions:
Hereditary antithrombin deficiency (AT3D). Also called: Antithrombin III deficiency; Thrombophilia due to antithrombin III deficiency; Reduced antithrombin III activity; Antithrombin deficiency. Identifiers: Orphanet 82, MedGen C0272375, MONDO:0013144, OMIM 613118, HP:0001976.

Submissions (2):

Clingen Thrombosis Variant Curation Expert Panel, ClinGen
Classification: Pathogenic for Hereditary antithrombin deficiency. Last evaluated: 2024-07-03. Review status: reviewed by expert panel. Criteria: ClinGen ACMG Specifications SERPINC1 V1.0.0. Collection method: curation. Allele origin: germline. Inheritance: Autosomal dominant inheritance.
Comment: The c.448dup (p.Gln150ProfsTer27) variant in SERPINC1 is a frameshift variant predicted to cause a premature stop codon in biologically-relevant-exon 3/7 leading to nonsense mediated decay in a gene in which loss-of-function is an established disease mechanism (PVS1). This variant has been reported in one probands meeting an antithrombin activity level of < 0.8 without confirmation of repeated independent samples tested but with a family history of antithrombin activity levels of < 0.8 IU/mL (PS4_Supporting; PMID:28300866). The variant has been reported to segregate with hereditary antithrombin deficiency in two additional affected family members from one family (PP1; PMID:28300866). This variant is absent from gnomAD v2.1.1 and v3.1.2 (PM2_Supporting). In summary, this variant meets the criteria to be classified as pathogenic for autosomal dominant hereditary antithrombin deficiency based on the ACMG/AMP criteria applied, as specified by the ClinGen Thrombosis VCEP: PVS1, PM2_Supporting, PS4_Supporting, PP1.

Labcorp Genetics (formerly Invitae), Labcorp
Classification: Pathogenic for Hereditary antithrombin deficiency. Last evaluated: 2018-07-10. Review status: criteria provided, single submitter. Criteria: Invitae Variant Classification Sherloc (09022015). Collection method: clinical testing. Allele origin: germline. Not counted in ClinVar's aggregate classification.
Comment: For these reasons, this variant has been classified as Pathogenic. Loss-of-function variants in SERPINC1 are known to be pathogenic (PMID: 21264449). This variant has not been reported in the literature in individuals with SERPINC1-related disease. This variant is not present in population databases (ExAC no frequency). This sequence change creates a premature translational stop signal (p.Gln150Profs*39) in the SERPINC1 gene. It is expected to result in an absent or disrupted protein product.

Literature cited by the submitters: PubMed 21264449 (cited by Labcorp Genetics (formerly Invitae), Labcorp).

NM_000488.4(SERPINC1):c.448dup (p.Gln150fs)

Gene: SERPINC1 (serpin family C member 1; minus strand). Cytogenetic location: 1q25.1.
Variant type: Duplication.
Coding change: c.448dup on transcript NM_000488.4 (MANE Select); coding-DNA position 448, one base duplicated (C; older notation c.448dupC).
Protein change: p.Gln150fs; shifts the reading frame from glutamine 150.
Molecular consequence: frameshift variant. On other transcripts: intron variant (1).
Genome position (GRCh38, 1-based): chr1:173,911,975, G duplicated on the plus strand (C on the coding strand, the reverse complement: SERPINC1 is on the minus strand). VCF-style (leftmost placement, unchanged base first): chr1-173911974-T-TG. GRCh37 (hg19) VCF-style: chr1-173881112-T-TG.
Other names: NM_000488.4(SERPINC1):c.448dup; p.Gln150fs; c.304dup, p.Gln102fs (NM_001365052.2); c.448dup, p.Gln150fs (NM_001386302.1, NM_001386304.1, NM_001386305.1); c.529dup, p.Gln177fs (NM_001386303.1); c.409-1084dup (NM_001386306.1); c.448dupC (NM_000488.3); short protein forms Q102fs, Q150fs, Q177fs.
Identifiers: ClinVar variation 661606 (VCV000661606.6), dbSNP rs1572090305, ClinGen allele CA915943674.